The following is an entry in ClinVar:

ClinVar aggregate classification (germline): Likely pathogenic. Review status: criteria provided, multiple submitters, no conflicts (2 of 4 stars). 2 submissions from 2 submitters: Likely pathogenic (2). Last evaluated 2023-03-01.

Conditions:
Neutral 1 amino acid transport defect (HND). Also called: HARTNUP DISORDER; Hartnup disease. Identifiers: Orphanet 2116, MedGen C0018609, MONDO:0009324, OMIM 234500.

Allele frequency attached by ClinVar (database versions not stated): gnomAD exomes below 0.00001; TOPMed below 0.00001; ExAC 0.00001; gnomAD 0.00001.
gnomAD v4.1: 3 of 1,612,632 alleles (0.00019%); highest among the groups gnomAD compares: East Asian, 0.0045%; no homozygotes.

Submissions (2):

Department of Paediatric Medicine, Post Graduation Institute of Medical Education and Research
Classification: Likely pathogenic for Neutral 1 amino acid transport defect. Last evaluated: 2023-03-01. Review status: criteria provided, single submitter. Criteria: ACMG Guidelines, 2015. Collection method: clinical testing. Allele origin: inherited. Inheritance: Autosomal recessive inheritance. Affected: no. Observed: 1 variant allele, 1 heterozygote.
Comment: PVS1, PM2

Juno Genomics, Hangzhou Juno Genomics, Inc
Classification: Likely pathogenic for Neutral 1 amino acid transport defect. Review status: criteria provided, single submitter. Criteria: ACMG Guidelines, 2015. Collection method: clinical testing. Allele origin: germline.
Comment: Null variant in a gene where loss of function (LOF) is a known mechanism of disease.;Absent from controls (or at extremely low frequency if recessive) in Genome Aggregation Database.

NM_001003841.3(SLC6A19):c.311G>A (p.Trp104Ter)

Gene: SLC6A19 (solute carrier family 6 member 19; plus strand). Cytogenetic location: 5p15.33.
Variant type: single nucleotide variant.
Coding change: c.311G>A on transcript NM_001003841.3 (MANE Select); coding-DNA position 311, G replaced by A.
Protein change: p.Trp104Ter; replaces tryptophan 104 with a stop codon.
Molecular consequence: nonsense.
Genome position (GRCh38, 1-based): chr5:1,208,854, G>A. VCF-style: chr5-1208854-G-A. GRCh37 (hg19) VCF-style: chr5-1208969-G-A.
Other names: short protein forms W104*.
Identifiers: ClinVar variation 2431061 (VCV002431061.4), dbSNP rs759094266, ClinGen allele CA3182649.